The following is an entry in ClinVar:

NM_024426.6(WT1):c.59A>T (p.Gln20Leu)

Genes: WT1 (WT1 transcription factor; minus strand), LOC107982234 (WT1/WT1-AS bi-directional promoter region; plus strand). Cytogenetic location: 11p13.
Variant type: single nucleotide variant.
Coding change: c.59A>T on transcript NM_024426.6 (MANE Select); coding-DNA position 59, A replaced by T.
Protein change: p.Gln20Leu; replaces glutamine 20 with leucine.
Molecular consequence: missense variant. On other transcripts: non-coding transcript variant (1).
Genome position (GRCh38, 1-based): chr11:32,435,302, T>A on the plus strand (A>T on the coding strand, the complement: WT1 is on the minus strand). VCF-style: chr11-32435302-T-A. GRCh37 (hg19) VCF-style: chr11-32456848-T-A.
Other names: c.59A>T, p.Gln20Leu (NM_000378.6, NM_001407044.1, NM_001407045.1 and 6 more transcripts); c.44A>T, p.Gln15Leu (NM_024425.2); short protein forms Q15L, Q20L.
Identifiers: ClinVar variation 1718801 (VCV001718801.6), dbSNP rs2494489658, ClinGen allele CA379966472.

ClinVar aggregate classification (germline): Uncertain significance (1 of 4 stars; one submission).

Conditions:
Wilms tumor 1 (WT1). Also called: Wilms tumor, somatic. Identifiers: Orphanet 654, MedGen CN033288, MONDO:0008679, OMIM 194070.
11p partial monosomy syndrome (WAGR). Also called: WAGR Spectrum Disorder; WAGR syndrome; WAGR Complex; CHROMOSOME 11p13 DELETION SYNDROME. Identifiers: Orphanet 893, MedGen C0206115, MONDO:0008681, OMIM 194072.
Drash syndrome (DDS). Also called: NEPHROPATHY, WILMS TUMOR, AND GENITAL ANOMALIES; WILMS TUMOR AND PSEUDO- OR TRUE HERMAPHRODITISM. Identifiers: Orphanet 220, MedGen C0950121, MONDO:0008682, OMIM 194080.
Frasier syndrome. Identifiers: Orphanet 347, MedGen C0950122, MeSH D052159, MONDO:0007635, OMIM 136680.

Submission:

Labcorp Genetics (formerly Invitae), Labcorp
Classification: Uncertain significance for Wilms tumor 1; Drash syndrome; 11p partial monosomy syndrome; Frasier syndrome. Last evaluated: 2022-09-03. Review status: criteria provided, single submitter. Criteria: Invitae Variant Classification Sherloc (09022015). Collection method: clinical testing. Allele origin: germline.
Comment: This variant is not present in population databases (gnomAD no frequency). This sequence change replaces glutamine, which is neutral and polar, with leucine, which is neutral and non-polar, at codon 15 of the WT1 protein (p.Gln15Leu). This variant has not been reported in the literature in individuals affected with WT1-related conditions. In summary, the available evidence is currently insufficient to determine the role of this variant in disease. Therefore, it has been classified as a Variant of Uncertain Significance. Algorithms developed to predict the effect of missense changes on protein structure and function are either unavailable or do not agree on the potential impact of this missense change (SIFT: "Deleterious"; PolyPhen-2: "Benign"; Align-GVGD: "Class C0").